The following is an entry in ClinVar:

NM_017934.7(PHIP):c.3441A>T (p.Leu1147=)

Genes: IRAK1BP1 (interleukin 1 receptor associated kinase 1 binding protein 1; plus strand), PHIP (PHIP subunit of CUL4-Ring ligase complex; minus strand). Cytogenetic location: 6q14.1.
Variant type: single nucleotide variant.
Coding change: c.3441A>T on transcript NM_017934.7 (MANE Select); coding-DNA position 3441, A replaced by T.
Protein change: p.Leu1147=; no amino-acid change (leucine 1147 retained).
Molecular consequence: synonymous variant.
Genome position (GRCh38, 1-based): chr6:78,963,191, T>A on the plus strand (A>T on the coding strand, the complement: PHIP is on the minus strand). VCF-style: chr6-78963191-T-A. GRCh37 (hg19) VCF-style: chr6-79672908-T-A.
Identifiers: ClinVar variation 2656718 (VCV002656718.24), dbSNP rs773576575, ClinGen allele CA3899689.

ClinVar aggregate classification (germline): Likely benign (1 of 4 stars; one submission).

Allele frequency attached by ClinVar (database versions not stated): gnomAD exomes below 0.00001; ExAC 0.00001.
gnomAD v4.1: 5 of 1,610,884 alleles (0.00031%); highest among the groups gnomAD compares: Non-Finnish European, 0.00042%; no homozygotes.

Submission:

CeGaT Center for Human Genetics Tuebingen
Classification: Likely benign. Last evaluated: 2022-11-01. Review status: criteria provided, single submitter. Criteria: CeGaT Center For Human Genetics Tuebingen Variant Classification Criteria Version 2. Collection method: clinical testing. Allele origin: germline. Affected: yes. Observed: 1 variant allele.
Comment: PHIP: PM2:Supporting, BP4, BP7